The following is an entry in ClinVar:

ClinVar aggregate classification (germline): Likely pathogenic (1 of 4 stars; one submission).

Submission:

Labcorp Genetics (formerly Invitae), Labcorp
Classification: Likely pathogenic. Last evaluated: 2022-02-18. Review status: criteria provided, single submitter. Criteria: Invitae Variant Classification Sherloc (09022015). Collection method: clinical testing. Allele origin: germline.
Comment: Advanced modeling of protein sequence and biophysical properties (such as structural, functional, and spatial information, amino acid conservation, physicochemical variation, residue mobility, and thermodynamic stability) performed at Invitae indicates that this missense variant is expected to disrupt COL4A5 protein function. This variant disrupts the triple helix domain of COL4A5. Glycine residues within the Gly-Xaa-Yaa repeats of the triple helix domain are required for the structure and stability of fibrillar collagens (PMID: 7695699, 8218237, 19344236). In COL4A5, missense variants at these glycine residues are significantly enriched in individuals with disease (PMID: 23720012, 27627812) compared to the general population (ExAC). In summary, the currently available evidence indicates that the variant is pathogenic, but additional data are needed to prove that conclusively. Therefore, this variant has been classified as Likely Pathogenic. This variant has not been reported in the literature in individuals affected with COL4A5-related conditions. This sequence change replaces glycine, which is neutral and non-polar, with glutamic acid, which is acidic and polar, at codon 769 of the COL4A5 protein (p.Gly769Glu). This variant is not present in population databases (gnomAD no frequency).

Literature cited by the submitters: PubMed 7695699; PubMed 8218237; PubMed 19344236; PubMed 23720012; PubMed 27627812.

NM_033380.3(COL4A5):c.2306G>A (p.Gly769Glu)

Gene: COL4A5 (collagen type IV alpha 5 chain; plus strand). Cytogenetic location: Xq22.3.
Variant type: single nucleotide variant.
Coding change: c.2306G>A on transcript NM_033380.3 (MANE Select); coding-DNA position 2306, G replaced by A.
Protein change: p.Gly769Glu; replaces glycine 769 with glutamic acid.
Molecular consequence: missense variant.
Genome position (GRCh38, 1-based): chrX:108,606,803, G>A. VCF-style: chrX-108606803-G-A. GRCh37 (hg19) VCF-style: chrX-107850033-G-A.
Other names: c.2306G>A, p.Gly769Glu (NM_000495.5); short protein forms G769E.
Identifiers: ClinVar variation 1516172 (VCV001516172.6), dbSNP rs1437633065, ClinGen allele CA413848937.